The following is an entry in ClinVar:

ClinVar aggregate classification (germline): Uncertain significance. Review status: criteria provided, multiple submitters, no conflicts (2 of 4 stars). 2 submissions from 2 submitters: Uncertain significance (2). Last evaluated 2024-07-03.

Conditions:
Inborn genetic diseases. Identifiers: MedGen C0950123, MeSH D030342.

Allele frequency attached by ClinVar (database versions not stated): gnomAD 0.00002; TOPMed 0.00002.
gnomAD v4.1: 16 of 1,614,086 alleles (0.00099%); highest among the groups gnomAD compares: East Asian, 0.022%; no homozygotes.

Submissions (2):

GeneDx
Classification: Uncertain significance. Last evaluated: 2024-07-03. Review status: criteria provided, single submitter. Criteria: GeneDx Variant Classification Process June 2021. Collection method: clinical testing. Allele origin: germline. Affected: yes.
Comment: Not observed at significant frequency in large population cohorts (gnomAD); In silico analysis indicates that this missense variant does not alter protein structure/function; Has not been previously published as pathogenic or benign to our knowledge

Ambry Genetics
Classification: Uncertain significance for Inborn genetic diseases. Last evaluated: 2022-05-16. Review status: criteria provided, single submitter. Criteria: Ambry Variant Classification Scheme 2023. Collection method: clinical testing. Allele origin: germline.

NM_001199799.2(ILDR1):c.1267G>A (p.Asp423Asn)

Gene: ILDR1 (immunoglobulin like domain containing receptor 1; minus strand). Cytogenetic location: 3q13.33.
Variant type: single nucleotide variant.
Coding change: c.1267G>A on transcript NM_001199799.2 (MANE Select); coding-DNA position 1267, G replaced by A.
Protein change: p.Asp423Asn; replaces aspartic acid 423 with asparagine.
Molecular consequence: missense variant.
Genome position (GRCh38, 1-based): chr3:121,993,482, C>T on the plus strand (G>A on the coding strand, the complement: ILDR1 is on the minus strand). VCF-style: chr3-121993482-C-T. GRCh37 (hg19) VCF-style: chr3-121712329-C-T.
Other names: c.1000G>A, p.Asp334Asn (NM_001199800.2); c.1135G>A, p.Asp379Asn (NM_175924.4); short protein forms D423N, D334N, D379N.
Identifiers: ClinVar variation 451625 (VCV000451625.5), dbSNP rs1172585670, ClinGen allele CA354143165.
Genomic context (GRCh38, chr3:121,993,482, plus strand): 5'-AGCGGCTCCTGAAAGGAGGGTGGCTCGGCCGCCAGCGTGCCTCACTGGATGAGGGGACAT[C>T]GCTTAGGCTGTCCCTGTCTGACCAGTGTATGGGTGACCCATTCAGCCTAGAGCTACGGTG-3'
Protein context (NP_001186728.1, residues 413-433): IHWSDRDSLS[Asp423Asn]VPSSSEARWR